The following is an entry in ClinVar:

ClinVar aggregate classification (germline): Uncertain significance (1 of 4 stars; one submission).

Conditions:
Autosomal dominant limb-girdle muscular dystrophy type 1G (LGMDD3). Also called: Limb-girdle muscular dystrophy, type 1G; MUSCULAR DYSTROPHY, LIMB-GIRDLE, AUTOSOMAL DOMINANT 3. Identifiers: Orphanet 55596, MedGen C1836765, MONDO:0012193, OMIM 609115.

gnomAD v4.1: 1 of 1,373,612 alleles (0.000073%); highest among the groups gnomAD compares: African/African-American, 0.0015%; no homozygotes.

Submission:

Labcorp Genetics (formerly Invitae), Labcorp
Classification: Uncertain significance for Autosomal dominant limb-girdle muscular dystrophy type 1G. Last evaluated: 2025-11-23. Review status: criteria provided, single submitter. Criteria: Invitae Variant Classification Sherloc (09022015). Collection method: clinical testing. Allele origin: germline.
Comment: This sequence change replaces proline, which is neutral and non-polar, with serine, which is neutral and polar, at codon 19 of the HNRNPDL protein (p.Pro19Ser). This variant is not present in population databases (gnomAD no frequency). This variant has not been reported in the literature in individuals affected with HNRNPDL-related conditions. ClinVar contains an entry for this variant (Variation ID: 2898755). An algorithm developed to predict the effect of missense changes on protein structure and function (PolyPhen-2) suggests that this variant is likely to be disruptive. In summary, the available evidence is currently insufficient to determine the role of this variant in disease. Therefore, it has been classified as a Variant of Uncertain Significance.

NM_031372.4(HNRNPDL):c.55C>T (p.Pro19Ser)

Gene: HNRNPDL (heterogeneous nuclear ribonucleoprotein D like; minus strand). Cytogenetic location: 4q21.22.
Variant type: single nucleotide variant.
Coding change: c.55C>T on transcript NM_031372.4 (MANE Select); coding-DNA position 55, C replaced by T.
Protein change: p.Pro19Ser; replaces proline 19 with serine.
Molecular consequence: missense variant. On other transcripts: non-coding transcript variant (1).
Genome position (GRCh38, 1-based): chr4:82,429,636, G>A on the plus strand (C>T on the coding strand, the complement: HNRNPDL is on the minus strand). VCF-style: chr4-82429636-G-A. GRCh37 (hg19) VCF-style: chr4-83350789-G-A.
Other names: c.55C>T, p.Pro19Ser (NM_001207000.1); short protein forms P19S.
Identifiers: ClinVar variation 2898755 (VCV002898755.3), dbSNP rs1721626935, ClinGen allele CA357173950.